The following is an entry in ClinVar:

ClinVar aggregate classification (germline): Conflicting classifications of pathogenicity. Review status: criteria provided, conflicting classifications (1 of 4 stars). 4 submissions from 4 submitters: Uncertain significance (2); Likely benign (2). Last evaluated 2026-01-24.

Conditions:
Agammaglobulinemia 2, autosomal recessive (AGM2). Also called: AGAMMAGLOBULINEMIA, AUTOSOMAL RECESSIVE, DUE TO IGLL1 DEFECT. Identifiers: MedGen C3150750, MONDO:0013287, OMIM 613500.

Allele frequency attached by ClinVar (database versions not stated): ESP Exome Variant Server 0.00069; gnomAD 0.00100; gnomAD exomes 0.00106; ExAC 0.00118; 1000 Genomes Project 0.00200; 1000 Genomes Project 30x 0.00234.

Submissions (4):

Labcorp Genetics (formerly Invitae), Labcorp
Classification: Likely benign for Agammaglobulinemia 2, autosomal recessive. Last evaluated: 2026-01-24. Review status: criteria provided, single submitter. Criteria: Invitae Variant Classification Sherloc (09022015). Collection method: clinical testing. Allele origin: germline.

CeGaT Center for Human Genetics Tuebingen
Classification: Likely benign. Last evaluated: 2024-01-01. Review status: criteria provided, single submitter. Criteria: CeGaT Center For Human Genetics Tuebingen Variant Classification Criteria Version 2. Collection method: clinical testing. Allele origin: germline. Affected: yes. Observed: 1 variant allele.
Comment: IGLL1: BP4, BS2

ARUP Laboratories, Molecular Genetics and Genomics, ARUP Laboratories
Classification: Uncertain significance for Agammaglobulinemia 2, autosomal recessive. Last evaluated: 2023-10-02. Review status: criteria provided, single submitter. Criteria: ARUP Molecular Germline Variant Investigation Process 2024. Collection method: clinical testing. Allele origin: germline.
Comment: The IGLL1 c.437C>T, p.Thr146Met variant (rs112775194), to our knowledge, is not reported in the medical literature but is reported in ClinVar (Variation ID: 547919). This variant is found in the East Asian population with an allele frequency of 0.5% (91/19,954 alleles) in the Genome Aggregation Database. The threonine at codon 146 is weakly conserved, but computational analyses (SIFT, PolyPhen-2) predict that this variant is deleterious. Due to limited information, the clinical significance of the p.Thr146Met variant is uncertain at this time.

Mayo Clinic Laboratories, Mayo Clinic
Classification: Uncertain significance for Agammaglobulinemia 2, autosomal recessive. Last evaluated: 2017-01-10. Review status: criteria provided, single submitter. Criteria: ACMG Guidelines, 2015. Collection method: clinical testing. Allele origin: paternal.

NM_020070.4(IGLL1):c.437C>T (p.Thr146Met)

Gene: IGLL1 (immunoglobulin lambda like polypeptide 1; minus strand). Cytogenetic location: 22q11.23.
Variant type: single nucleotide variant.
Coding change: c.437C>T on transcript NM_020070.4 (MANE Select); coding-DNA position 437, C replaced by T.
Protein change: p.Thr146Met; replaces threonine 146 with methionine.
Molecular consequence: missense variant. On other transcripts: 3 prime UTR variant (1).
Genome position (GRCh38, 1-based): chr22:23,573,471, G>A on the plus strand (C>T on the coding strand, the complement: IGLL1 is on the minus strand). VCF-style: chr22-23573471-G-A. GRCh37 (hg19) VCF-style: chr22-23915658-G-A.
Other names: c.440C>T, p.Thr147Met (NM_001369906.1); c.*66C>T (NM_152855.3); short protein forms T146M, T147M.
Identifiers: ClinVar variation 547919 (VCV000547919.46), dbSNP rs112775194, ClinGen allele CA10143275.